The following is an entry in ClinVar:

NM_017654.4(SAMD9):c.4067A>G (p.Glu1356Gly)

Gene: SAMD9 (sterile alpha motif domain containing 9; minus strand). Cytogenetic location: 7q21.2.
Variant type: single nucleotide variant.
Coding change: c.4067A>G on transcript NM_017654.4 (MANE Select); coding-DNA position 4067, A replaced by G.
Protein change: p.Glu1356Gly; replaces glutamic acid 1356 with glycine.
Molecular consequence: missense variant.
Genome position (GRCh38, 1-based): chr7:93,102,031, T>C on the plus strand (A>G on the coding strand, the complement: SAMD9 is on the minus strand). VCF-style: chr7-93102031-T-C. GRCh37 (hg19) VCF-style: chr7-92731344-T-C.
Other names: c.4067A>G, p.Glu1356Gly (NM_001193307.2); short protein forms E1356G.
Identifiers: ClinVar variation 740748 (VCV000740748.15), dbSNP rs202023980, ClinGen allele CA4342605.

ClinVar aggregate classification (germline): Likely benign. Review status: criteria provided, multiple submitters, no conflicts (2 of 4 stars). 5 submissions from 5 submitters: Likely benign (3). 2 of the submissions do not count toward it. Last evaluated 2026-01-18.

Conditions:
Inborn genetic diseases. Identifiers: MedGen C0950123, MeSH D030342.
SAMD9-related disorder. Also called: SAMD9-related condition.

Allele frequency attached by ClinVar (database versions not stated): ESP Exome Variant Server 0.00008; gnomAD 0.00014 and 0.00027; TOPMed 0.00021; gnomAD exomes 0.00032 and 0.00065; ExAC 0.00069; 1000 Genomes Project 0.00080; 1000 Genomes Project 30x 0.00094.
gnomAD v4.1: 533 of 1,613,432 alleles (0.033%); highest among the groups gnomAD compares: South Asian, 0.4%; 6 homozygotes.

Submissions (5):

Labcorp Genetics (formerly Invitae), Labcorp
Classification: Likely benign. Last evaluated: 2026-01-18. Review status: criteria provided, single submitter. Criteria: Invitae Variant Classification Sherloc (09022015). Collection method: clinical testing. Allele origin: germline.

Ambry Genetics
Classification: Likely benign for Inborn genetic diseases. Last evaluated: 2024-11-21. Review status: criteria provided, single submitter. Criteria: Ambry Variant Classification Scheme 2023. Collection method: clinical testing. Allele origin: germline.

Blueprint Genetics
Classification: Likely benign. Last evaluated: 2024-11-15. Review status: criteria provided, single submitter. Criteria: ACMG Guidelines, 2015. Collection method: clinical testing. Allele origin: germline.

Genetic Services Laboratory, University of Chicago
Classification: Likely benign. Last evaluated: 2022-07-25. Review status: no assertion criteria provided. Collection method: clinical testing. Allele origin: germline. Affected: no. Not counted in ClinVar's aggregate classification.

PreventionGenetics, part of Exact Sciences
Classification: Likely benign for SAMD9-related condition. Last evaluated: 2022-02-02. Review status: no assertion criteria provided. Collection method: clinical testing. Allele origin: germline. Not counted in ClinVar's aggregate classification.
Comment: This variant is classified as likely benign based on ACMG/AMP sequence variant interpretation guidelines (Richards et al. 2015 PMID: 25741868, with internal and published modifications).